The following is an entry in ClinVar:

NM_012062.5(DNM1L):c.410C>T (p.Pro137Leu)

Gene: DNM1L (dynamin 1 like; plus strand). Cytogenetic location: 12p11.21.
Variant type: single nucleotide variant.
Coding change: c.410C>T on transcript NM_012062.5 (MANE Select); coding-DNA position 410, C replaced by T.
Protein change: p.Pro137Leu; replaces proline 137 with leucine.
Molecular consequence: missense variant. On other transcripts: intron variant (1).
Genome position (GRCh38, 1-based): chr12:32,710,969, C>T. VCF-style: chr12-32710969-C-T. GRCh37 (hg19) VCF-style: chr12-32863903-C-T.
Other names: c.410C>T, p.Pro137Leu (NM_001278463.2, NM_005690.5, NM_012063.4); c.449C>T, p.Pro150Leu (NM_001278464.2, NM_001278465.2, NM_001330380.2); c.131+3556C>T (NM_001278466.2); short protein forms P150L, P137L.
Identifiers: ClinVar variation 3725932 (VCV003725932.2).
Genomic context (GRCh38, chr12:32,710,969, plus strand): 5'-ATTTTAAAATTTATTTTTAGGGAGTAAGCCCTGAACCAATTCATCTTAAGATTTTTTCAC[C>T]CAACGTTGTCAATTTGACACTTGTGGATTTGCCAGGAATGACCAAGGTAAGGAAGGAATA-3'
Protein context (NP_036192.2, residues 127-147): PEPIHLKIFS[Pro137Leu]NVVNLTLVDL

ClinVar aggregate classification (germline): Uncertain significance (1 of 4 stars; one submission).

Submission:

Labcorp Genetics (formerly Invitae), Labcorp
Classification: Uncertain significance. Last evaluated: 2024-11-24. Review status: criteria provided, single submitter. Criteria: Invitae Variant Classification Sherloc (09022015). Collection method: clinical testing. Allele origin: germline.
Comment: This sequence change replaces proline, which is neutral and non-polar, with leucine, which is neutral and non-polar, at codon 137 of the DNM1L protein (p.Pro137Leu). This variant is not present in population databases (gnomAD no frequency). This variant has not been reported in the literature in individuals affected with DNM1L-related conditions. An algorithm developed to predict the effect of missense changes on protein structure and function (PolyPhen-2) suggests that this variant is likely to be disruptive. In summary, the available evidence is currently insufficient to determine the role of this variant in disease. Therefore, it has been classified as a Variant of Uncertain Significance.